The following is an entry in ClinVar:

ClinVar aggregate classification (germline): Uncertain significance (1 of 4 stars; one submission).

Conditions:
PHGDH deficiency. Identifiers: Orphanet 79351, MedGen C1866174, MONDO:0011152, OMIM 601815.

Allele frequency attached by ClinVar (database versions not stated): TOPMed below 0.00001.

Submission:

Labcorp Genetics (formerly Invitae), Labcorp
Classification: Uncertain significance for PHGDH deficiency. Last evaluated: 2022-04-24. Review status: criteria provided, single submitter. Criteria: Invitae Variant Classification Sherloc (09022015). Collection method: clinical testing. Allele origin: germline.
Comment: This sequence change creates a premature translational stop signal (p.Lys522Thrfs*5) in the PHGDH gene. While this is not anticipated to result in nonsense mediated decay, it is expected to disrupt the last 12 amino acid(s) of the PHGDH protein. This variant is not present in population databases (gnomAD no frequency). This variant has not been reported in the literature in individuals affected with PHGDH-related conditions. Experimental studies and prediction algorithms are not available or were not evaluated, and the functional significance of this variant is currently unknown. In summary, the available evidence is currently insufficient to determine the role of this variant in disease. Therefore, it has been classified as a Variant of Uncertain Significance.

NM_006623.4(PHGDH):c.1565_1566del (p.Lys522fs)

Gene: PHGDH (phosphoglycerate dehydrogenase; plus strand). Cytogenetic location: 1p12.
Variant type: Deletion.
Coding change: c.1565_1566del on transcript NM_006623.4 (MANE Select); coding-DNA positions 1565 to 1566, 2 bases deleted (AG; older notation c.1565_1566delAG).
Protein change: p.Lys522fs; shifts the reading frame from lysine 522.
Molecular consequence: frameshift variant.
Genome position (GRCh38, 1-based): chr1:119,744,003-119,744,004, AG deleted. VCF-style (leftmost placement, unchanged base first): chr1-119744002-AAG-A. GRCh37 (hg19) VCF-style: chr1-120286625-AAG-A.
Other names: short protein forms K522fs.
Identifiers: ClinVar variation 1924849 (VCV001924849.3), dbSNP rs1571022288, ClinGen allele CA916274415.